The following is an entry in ClinVar:

ClinVar aggregate classification (germline): Likely benign (0 of 4 stars; one submission).

Conditions:
SLCO1B3-related disorder. Also called: SLCO1B3-related condition.

Allele frequency attached by ClinVar (database versions not stated): TOPMed 0.00002; ESP Exome Variant Server 0.00008; gnomAD exomes 0.00011; 1000 Genomes Project 30x 0.00016; 1000 Genomes Project 0.00020; ExAC 0.00033.
gnomAD v4.1: 176 of 1,601,956 alleles (0.011%); highest among the groups gnomAD compares: South Asian, 0.2%; 3 homozygotes.

Submission:

PreventionGenetics, part of Exact Sciences
Classification: Likely benign for SLCO1B3-related condition. Last evaluated: 2021-06-17. Review status: no assertion criteria provided. Collection method: clinical testing. Allele origin: germline.
Comment: This variant is classified as likely benign based on ACMG/AMP sequence variant interpretation guidelines (Richards et al. 2015 PMID: 25741868, with internal and published modifications).

NM_019844.4(SLCO1B3):c.948A>G (p.Lys316=)

Genes: SLCO1B3 (solute carrier organic anion transporter family member 1B3; plus strand), SLCO1B3-SLCO1B7 (SLCO1B3-SLCO1B7 readthrough; plus strand). Cytogenetic location: 12p12.2.
Variant type: single nucleotide variant.
Coding change: c.948A>G on transcript NM_019844.4 (MANE Select); coding-DNA position 948, A replaced by G.
Protein change: p.Lys316=; no amino-acid change (lysine 316 retained).
Molecular consequence: synonymous variant.
Genome position (GRCh38, 1-based): chr12:20,875,455, A>G. VCF-style: chr12-20875455-A-G. GRCh37 (hg19) VCF-style: chr12-21028389-A-G.
Other names: c.948A>G, p.Lys316= (NM_001371097.1); c.864A>G, p.Lys288= (NM_001349920.2).
Identifiers: ClinVar variation 3032630 (VCV003032630.2), dbSNP rs373072758, ClinGen allele CA6475378.